The following is an entry in ClinVar:

NM_201384.3(PLEC):c.1300C>G (p.Arg434Gly)

Gene: PLEC (plectin; minus strand). Cytogenetic location: 8q24.3.
Variant type: single nucleotide variant.
Coding change: c.1300C>G on transcript NM_201384.3 (MANE Select); coding-DNA position 1300, C replaced by G.
Protein change: p.Arg434Gly; replaces arginine 434 with glycine.
Molecular consequence: missense variant.
Genome position (GRCh38, 1-based): chr8:143,933,315, G>C on the plus strand (C>G on the coding strand, the complement: PLEC is on the minus strand). VCF-style: chr8-143933315-G-C. GRCh37 (hg19) VCF-style: chr8-145007483-G-C.
Other names: c.1381C>G, p.Arg461Gly (NM_000445.5, NM_001410941.1); c.1258C>G, p.Arg420Gly (NM_201378.4); c.1234C>G, p.Arg412Gly (NM_201379.3); c.1711C>G, p.Arg571Gly (NM_201380.4); c.1204C>G, p.Arg402Gly (NM_201381.3); c.1300C>G, p.Arg434Gly (NM_201382.4); c.1312C>G, p.Arg438Gly (NM_201383.3); short protein forms R402G, R412G, R420G, R434G, R438G, R461G, R571G.
Identifiers: ClinVar variation 2635331 (VCV002635331.1), dbSNP rs775285083, ClinGen allele CA372582549.
Genomic context (GRCh38, chr8:143,933,315, plus strand): 5'-TGAAGAGCAGCCGGATCATGCTATCCGCCTTGTCCAAGTCCCGTTCCACCTCCCCCGCCC[G>C]CTGTGGCACTTTGCCTGCAGCCAGCAGCCGGACATCCTGCAAGGTCGTTGCCATGACTCG-3'
Protein context (NP_958786.1, residues 424-444): RLLAAGKVPQ[Arg434Gly]AGEVERDLDK

ClinVar aggregate classification (germline): Uncertain significance (1 of 4 stars; one submission).

Conditions:
PLEC-related disorder. Also called: PLEC-related condition; PLEC-related disorders.

gnomAD v4.1: 1 of 1,612,590 alleles (0.000062%); highest among the groups gnomAD compares: Admixed American, 0.0017%; no homozygotes.

Submission:

PreventionGenetics, part of Exact Sciences
Classification: Uncertain significance for PLEC-related condition. Last evaluated: 2022-12-10. Review status: criteria provided, single submitter. Criteria: ACMG Guidelines, 2015. Collection method: clinical testing. Allele origin: germline.
Comment: The PLEC c.1381C>G variant is predicted to result in the amino acid substitution p.Arg461Gly. To our knowledge, this variant has not been reported in the literature. This variant is reported in 0.0029% of alleles in individuals of Latino descent in gnomAD. At this time, the clinical significance of this variant is uncertain due to the absence of conclusive functional and genetic evidence.